The following is an entry in ClinVar:

ClinVar aggregate classification (germline): Uncertain significance (1 of 4 stars; one submission).

gnomAD v4.1: 7 of 1,614,216 alleles (0.00043%); highest among the groups gnomAD compares: Admixed American, 0.0033%; no homozygotes.

Submission:

Mayo Clinic Laboratories, Mayo Clinic
Classification: Uncertain significance. Last evaluated: 2025-04-30. Review status: criteria provided, single submitter. Criteria: ACMG Guidelines, 2015. Collection method: clinical testing. Allele origin: germline. Observed: 1 variant allele.
Comment: PM2_supporting

NM_005720.4(ARPC1B):c.290G>A (p.Arg97Gln)

Gene: ARPC1B (actin related protein 2/3 complex subunit 1B; plus strand). Cytogenetic location: 7q22.1.
Variant type: single nucleotide variant.
Coding change: c.290G>A on transcript NM_005720.4 (MANE Select); coding-DNA position 290, G replaced by A.
Protein change: p.Arg97Gln; replaces arginine 97 with glutamine.
Molecular consequence: missense variant.
Genome position (GRCh38, 1-based): chr7:99,388,159, G>A. VCF-style: chr7-99388159-G-A. GRCh37 (hg19) VCF-style: chr7-98985782-G-A.
Other names: p.Arg97Gln; short protein forms R97Q.
Identifiers: ClinVar variation 4541318 (VCV004541318.1).